The following is an entry in ClinVar:

NM_015245.3(ANKS1A):c.3225C>T (p.Gly1075=)

Gene: ANKS1A (ankyrin repeat and sterile alpha motif domain containing 1A; plus strand). Cytogenetic location: 6p21.31.
Variant type: single nucleotide variant.
Coding change: c.3225C>T on transcript NM_015245.3 (MANE Select); coding-DNA position 3225, C replaced by T.
Protein change: p.Gly1075=; no amino-acid change (glycine 1075 retained).
Molecular consequence: synonymous variant.
Genome position (GRCh38, 1-based): chr6:35,085,858, C>T. VCF-style: chr6-35085858-C-T. GRCh37 (hg19) VCF-style: chr6-35053635-C-T.
Identifiers: ClinVar variation 3025643 (VCV003025643.22), dbSNP rs146160816, ClinGen allele CA3768460.
Genomic context (GRCh38, chr6:35,085,858, plus strand): 5'-GCAGGCCTTCGAAGTGGCCTATCAGTTGGCCCTGCAGGCCCAGAAGTCCAGGGCGACGGG[C>T]GCCTCTGCAGCTGAGATGATTGAAACAAAATCTTCCAAACCGGTGCCTAAGCCTCGGGTC-3'
Protein context (NP_056060.2, residues 1065-1085): ALQAQKSRAT[Gly1075=]ASAAEMIETK

ClinVar aggregate classification (germline): Likely benign (1 of 4 stars; one submission).

gnomAD v4.1: 86 of 1,613,684 alleles (0.0053%); highest among the groups gnomAD compares: Admixed American, 0.015%; 1 homozygote.

Submission:

CeGaT Center for Human Genetics Tuebingen
Classification: Likely benign. Last evaluated: 2024-02-01. Review status: criteria provided, single submitter. Criteria: CeGaT Center For Human Genetics Tuebingen Variant Classification Criteria Version 2. Collection method: clinical testing. Allele origin: germline. Affected: yes. Observed: 1 variant allele.
Comment: ANKS1A: BP4, BP7